The following is an entry in ClinVar:

NM_025114.4(CEP290):c.985C>T (p.Gln329Ter)

Gene: CEP290 (centrosomal protein 290; minus strand). Cytogenetic location: 12q21.32.
Variant type: single nucleotide variant.
Coding change: c.985C>T on transcript NM_025114.4 (MANE Select); coding-DNA position 985, C replaced by T.
Protein change: p.Gln329Ter; replaces glutamine 329 with a stop codon.
Molecular consequence: nonsense.
Genome position (GRCh38, 1-based): chr12:88,126,396, G>A on the plus strand (C>T on the coding strand, the complement: CEP290 is on the minus strand). VCF-style: chr12-88126396-G-A. GRCh37 (hg19) VCF-style: chr12-88520173-G-A.
Other names: short protein forms Q329*.
Identifiers: ClinVar variation 1453266 (VCV001453266.6), dbSNP rs2138023519, ClinGen allele CA385982955.

ClinVar aggregate classification (germline): Pathogenic (1 of 4 stars; one submission).

Conditions:
Nephronophthisis. Also called: Juvenile Nephronophthisis. Identifiers: Orphanet 655, MedGen C0687120, MONDO:0019005, HP:0000090.
Meckel-Gruber syndrome. Also called: DYSENCEPHALIA SPLANCHNOCYSTICA; GRUBER SYNDROME; Dysencephalia splachnocystica. Identifiers: Orphanet 564, MedGen C0265215, MONDO:0018921.
Joubert syndrome. Also called: CEREBELLOPARENCHYMAL DISORDER IV; JOUBERT-BOLTSHAUSER SYNDROME; Familial aplasia of the vermis. Identifiers: Orphanet 475, MedGen C5979921, MONDO:0018772.

Allele frequency attached by ClinVar (database versions not stated): gnomAD exomes below 0.00001.
gnomAD v4.1: 1 of 1,516,086 alleles (0.000066%); highest among the groups gnomAD compares: African/African-American, 0.0014%; no homozygotes.

Submission:

Labcorp Genetics (formerly Invitae), Labcorp
Classification: Pathogenic for Joubert syndrome; Meckel-Gruber syndrome; Nephronophthisis. Last evaluated: 2021-03-16. Review status: criteria provided, single submitter. Criteria: Invitae Variant Classification Sherloc (09022015). Collection method: clinical testing. Allele origin: germline.
Comment: This variant is not present in population databases (ExAC no frequency). This variant has not been reported in the literature in individuals with CEP290-related conditions. This sequence change creates a premature translational stop signal (p.Gln329*) in the CEP290 gene. It is expected to result in an absent or disrupted protein product. Loss-of-function variants in CEP290 are known to be pathogenic (PMID: 16909394, 17345604, 20690115). Algorithms developed to predict the effect of sequence changes on RNA splicing suggest that this variant may create or strengthen a splice site, but this prediction has not been confirmed by published transcriptional studies. For these reasons, this variant has been classified as Pathogenic.

Literature cited by the submitters: PubMed 16909394; PubMed 17345604; PubMed 20690115.